The following is an entry in ClinVar:

NM_176822.4(NLRP14):c.3146+24G>C

Gene: NLRP14 (NLR family pyrin domain containing 14; plus strand). Cytogenetic location: 11p15.4.
Variant type: single nucleotide variant.
Coding change: c.3146+24G>C on transcript NM_176822.4 (MANE Select); 24 bases into the intron after coding-DNA position 3146, G replaced by C.
Molecular consequence: intron variant.
Genome position (GRCh38, 1-based): chr11:7,070,480, G>C. VCF-style: chr11-7070480-G-C. GRCh37 (hg19) VCF-style: chr11-7091711-G-C.
Identifiers: ClinVar variation 103351 (VCV000103351.2), dbSNP rs199475890, ClinGen allele CA230457.
Genomic context (GRCh38, chr11:7,070,480, plus strand): 5'-TCTTGAAGTCTCCTAAGTGTAAACTACAAGTTCTAGGGTAAGTCTCCATTGGCTTCTCAG[G>C]GGGAGCATTTCCTATAATGAGGGATTTGGGGAGCCACTCATTAATACAGGCCTCAGAATC-3'

ClinVar aggregate classification (germline): not provided (0 of 4 stars; one submission).

Allele frequency attached by ClinVar (database versions not stated): gnomAD exomes 0.00011; gnomAD 0.00012 and 0.00028; TOPMed 0.00022; 1000 Genomes Project 30x 0.00125; 1000 Genomes Project 0.00140.
gnomAD v4.1: 260 of 1,577,220 alleles (0.016%); highest among the groups gnomAD compares: East Asian, 0.27%; 3 homozygotes.

Submission:

Human Evolutionary Genetics, Institut Pasteur
No classification provided. Review status: no classification provided. Collection method: not provided. Allele origin: germline.
ClinVar note: Converted during submission from untested to not provided.